The following is an entry in ClinVar:

ClinVar aggregate classification (germline): Uncertain significance (1 of 4 stars; one submission).

Conditions:
Agammaglobulinemia 4, autosomal recessive (AGM4). Also called: AGAMMAGLOBULINEMIA, AUTOSOMAL RECESSIVE, DUE TO BLNK DEFECT; B cell linker protein deficiency. Identifiers: MedGen C3150752, MONDO:0013289, OMIM 613502.

gnomAD v4.1: 1 of 1,613,896 alleles (0.000062%); highest among the groups gnomAD compares: Non-Finnish European, 0.000085%; no homozygotes.

Submission:

Labcorp Genetics (formerly Invitae), Labcorp
Classification: Uncertain significance for Agammaglobulinemia 4, autosomal recessive. Last evaluated: 2019-12-30. Review status: criteria provided, single submitter. Criteria: Invitae Variant Classification Sherloc (09022015). Collection method: clinical testing. Allele origin: germline.
Comment: This variant has not been reported in the literature in individuals with BLNK-related conditions. In summary, the available evidence is currently insufficient to determine the role of this variant in disease. Therefore, it has been classified as a Variant of Uncertain Significance. Algorithms developed to predict the effect of missense changes on protein structure and function (SIFT, PolyPhen-2, Align-GVGD) all suggest that this variant is likely to be tolerated, but these predictions have not been confirmed by published functional studies and their clinical significance is uncertain. This variant is not present in population databases (ExAC no frequency). This sequence change replaces proline with alanine at codon 154 of the BLNK protein (p.Pro154Ala). The proline residue is moderately conserved and there is a small physicochemical difference between proline and alanine.

NM_013314.4(BLNK):c.460C>G (p.Pro154Ala)

Gene: BLNK (B cell linker; minus strand). Cytogenetic location: 10q24.1.
Variant type: single nucleotide variant.
Coding change: c.460C>G on transcript NM_013314.4 (MANE Select); coding-DNA position 460, C replaced by G.
Protein change: p.Pro154Ala; replaces proline 154 with alanine.
Molecular consequence: missense variant. On other transcripts: non-coding transcript variant (1), intron variant (1).
Genome position (GRCh38, 1-based): chr10:96,223,891, G>C on the plus strand (C>G on the coding strand, the complement: BLNK is on the minus strand). VCF-style: chr10-96223891-G-C. GRCh37 (hg19) VCF-style: chr10-97983647-G-C.
Other names: c.460C>G, p.Pro154Ala (NM_001114094.2, NM_001258440.2, NM_001258441.2); c.349+3531C>G (NM_001258442.2); short protein forms P154A.
Identifiers: ClinVar variation 845659 (VCV000845659.10), dbSNP rs2084259658, ClinGen allele CA377724513.